The following is an entry in ClinVar:

NM_001346754.2(PIGW):c.248T>G (p.Leu83Arg)

Genes: MYO19 (myosin XIX; minus strand), PIGW (phosphatidylinositol glycan anchor biosynthesis class W; plus strand). Cytogenetic location: 17q12.
Variant type: single nucleotide variant.
Coding change: c.248T>G on transcript NM_001346754.2 (MANE Select); coding-DNA position 248, T replaced by G.
Protein change: p.Leu83Arg; replaces leucine 83 with arginine.
Molecular consequence: missense variant.
Genome position (GRCh38, 1-based): chr17:36,537,349, T>G. VCF-style: chr17-36537349-T-G. GRCh37 (hg19) VCF-style: chr17-34893198-T-G.
Other names: c.248T>G, p.Leu83Arg (NM_001346755.2, NM_178517.5); short protein forms L83R.
Identifiers: ClinVar variation 2662197 (VCV002662197.1), dbSNP rs756420563, ClinGen allele CA290115805.
Genomic context (GRCh38, chr17:36,537,349, plus strand): 5'-TCCTAATAGTTCCCATGGTAGCCACTTTGACCATTTGGGCTTCATTTATCCTCCTTGAGC[T>G]TCTCGGTGTAATTATCTTTGGGGCAGGGCTGTTGTATCAAATATACCGAAGGAGGACCTG-3'
Protein context (NP_001333683.1, residues 73-93): TIWASFILLE[Leu83Arg]LGVIIFGAGL

ClinVar aggregate classification (germline): Uncertain significance (1 of 4 stars; one submission).

Allele frequency attached by ClinVar (database versions not stated): TOPMed below 0.00001; ExAC 0.00001; gnomAD 0.00001; gnomAD exomes 0.00001.
gnomAD v4.1: 12 of 1,613,866 alleles (0.00074%); highest among the groups gnomAD compares: Non-Finnish European, 0.00093%; no homozygotes.

Submission:

GeneDx
Classification: Uncertain significance. Last evaluated: 2023-05-04. Review status: criteria provided, single submitter. Criteria: GeneDx Variant Classification Process June 2021. Collection method: clinical testing. Allele origin: germline. Affected: yes.
Comment: Not observed at significant frequency in large population cohorts (gnomAD); In silico analysis supports that this missense variant does not alter protein structure/function; Has not been previously published as pathogenic or benign to our knowledge